The following is an entry in ClinVar:

ClinVar aggregate classification (germline): Uncertain significance (1 of 4 stars; one submission).

Allele frequency attached by ClinVar (database versions not stated): gnomAD exomes 0.00004; ExAC 0.00023.
gnomAD v4.1: 62 of 1,343,010 alleles (0.0046%); highest among the groups gnomAD compares: Middle Eastern, 0.028%; no homozygotes.

Submission:

Labcorp Genetics (formerly Invitae), Labcorp
Classification: Uncertain significance. Last evaluated: 2022-10-13. Review status: criteria provided, single submitter. Criteria: Invitae Variant Classification Sherloc (09022015). Collection method: clinical testing. Allele origin: germline.
Comment: This sequence change replaces glutamic acid, which is acidic and polar, with aspartic acid, which is acidic and polar, at codon 47 of the HMX1 protein (p.Glu47Asp). This variant is present in population databases (rs767029357, gnomAD 0.02%). This variant has not been reported in the literature in individuals affected with HMX1-related conditions. ClinVar contains an entry for this variant (Variation ID: 1353897). Algorithms developed to predict the effect of missense changes on protein structure and function output the following: SIFT: "Tolerated"; PolyPhen-2: "Not Available"; Align-GVGD: "Class C0". The aspartic acid amino acid residue is found in multiple mammalian species, which suggests that this missense change does not adversely affect protein function. In summary, the available evidence is currently insufficient to determine the role of this variant in disease. Therefore, it has been classified as a Variant of Uncertain Significance.

NM_018942.3(HMX1):c.141G>C (p.Glu47Asp)

Gene: HMX1 (H6 family homeobox 1; minus strand). Cytogenetic location: 4p16.1.
Variant type: single nucleotide variant.
Coding change: c.141G>C on transcript NM_018942.3 (MANE Select); coding-DNA position 141, G replaced by C.
Protein change: p.Glu47Asp; replaces glutamic acid 47 with aspartic acid.
Molecular consequence: missense variant.
Genome position (GRCh38, 1-based): chr4:8,871,474, C>G on the plus strand (G>C on the coding strand, the complement: HMX1 is on the minus strand). VCF-style: chr4-8871474-C-G. GRCh37 (hg19) VCF-style: chr4-8873200-C-G.
Other names: c.141G>C, p.Glu47Asp (NM_001306142.2); short protein forms E47D.
Identifiers: ClinVar variation 1353897 (VCV001353897.5), dbSNP rs767029357, ClinGen allele CA2854322.